The following is an entry in ClinVar:

NM_000203.5(IDUA):c.19dup (p.Arg7fs)

Genes: IDUA (alpha-L-iduronidase; plus strand), SLC26A1 (solute carrier family 26 member 1; minus strand). Cytogenetic location: 4p16.3.
Variant type: Duplication.
Coding change: c.19dup on transcript NM_000203.5 (MANE Select); coding-DNA position 19, one base duplicated (C; older notation c.19dupC).
Protein change: p.Arg7fs; shifts the reading frame from arginine 7.
Molecular consequence: frameshift variant. On other transcripts: non-coding transcript variant (1), intron variant (1).
Genome position (GRCh38, 1-based): chr4:987,103, C duplicated; the last of 5 consecutive C bases (chr4:987,099-987,103); duplicating any one gives the same sequence. VCF-style (leftmost placement, unchanged base first): chr4-987098-G-GC. GRCh37 (hg19) VCF-style: chr4-980886-G-GC.
Other names: c.576+4029dup (NM_134425.4); short protein forms R7fs.
Identifiers: ClinVar variation 2021616 (VCV002021616.4), dbSNP rs2534003198, ClinGen allele CA549265079.
Genomic context (GRCh38, chr4:987,098, plus strand): 5'-ACCGGCAGTGCAGCCCGAAGCCCCGCAGTCCCCGAGCACGCGTGGCCATGCGTCCCCTGC[G>GC]CCCCCGCGCCGCGCTGCTGGCGCTCCTGGCCTCGCTCCTGGCCGCGCCCCCGGTGGCCCC-3'

ClinVar aggregate classification (germline): Pathogenic (1 of 4 stars; one submission).

Conditions:
Mucopolysaccharidosis type 1. Also called: IDUA deficiency; MPS I; Mucopolysaccharidosis Type I. Identifiers: Orphanet 579, MedGen C0023786, MONDO:0001586.

Submission:

Labcorp Genetics (formerly Invitae), Labcorp
Classification: Pathogenic for Mucopolysaccharidosis type 1. Last evaluated: 2022-08-05. Review status: criteria provided, single submitter. Criteria: Invitae Variant Classification Sherloc (09022015). Collection method: clinical testing. Allele origin: germline.
Comment: For these reasons, this variant has been classified as Pathogenic. This variant has not been reported in the literature in individuals affected with IDUA-related conditions. The frequency data for this variant in the population databases is considered unreliable, as metrics indicate poor data quality at this position in the gnomAD database. This sequence change creates a premature translational stop signal (p.Arg7Profs*56) in the IDUA gene. It is expected to result in an absent or disrupted protein product. Loss-of-function variants in IDUA are known to be pathogenic (PMID: 11735025, 21480867).

Literature cited by the submitters: PubMed 11735025; PubMed 21480867.